The following is an entry in ClinVar:

ClinVar aggregate classification (germline): Uncertain significance (1 of 4 stars; one submission).

Conditions:
Cardiovascular phenotype. Identifiers: MedGen CN230736.

gnomAD v4.1: 21 of 1,548,650 alleles (0.0014%); highest among the groups gnomAD compares: Middle Eastern, 0.017%; no homozygotes.

Submission:

Ambry Genetics
Classification: Uncertain significance for Cardiovascular phenotype. Last evaluated: 2025-05-24. Review status: criteria provided, single submitter. Criteria: Ambry Variant Classification Scheme 2023. Collection method: clinical testing. Allele origin: germline.
Comment: The p.V330L variant (also known as c.988G>T), located in coding exon 6 of the EPHB4 gene, results from a G to T substitution at nucleotide position 988. The valine at codon 330 is replaced by leucine, an amino acid with highly similar properties. This amino acid position is conserved. In addition, this alteration is predicted to be tolerated by in silico analysis. Based on the available evidence, the clinical significance of this variant remains unclear.

NM_004444.5(EPHB4):c.988G>T (p.Val330Leu)

Gene: EPHB4 (EPH receptor B4; minus strand). Cytogenetic location: 7q22.1.
Variant type: single nucleotide variant.
Coding change: c.988G>T on transcript NM_004444.5 (MANE Select); coding-DNA position 988, G replaced by T.
Protein change: p.Val330Leu; replaces valine 330 with leucine.
Molecular consequence: missense variant.
Genome position (GRCh38, 1-based): chr7:100,819,866, C>A on the plus strand (G>T on the coding strand, the complement: EPHB4 is on the minus strand). VCF-style: chr7-100819866-C-A. GRCh37 (hg19) VCF-style: chr7-100417488-C-A.
Other names: short protein forms V330L.
Identifiers: ClinVar variation 4018813 (VCV004018813.1).